The following is an entry in ClinVar:

ClinVar aggregate classification (germline): Likely benign. Review status: criteria provided, multiple submitters, no conflicts (2 of 4 stars). 4 submissions from 4 submitters: Likely benign (3). 1 of the submissions does not count toward it. Last evaluated 2025-12-17.

Conditions:
USH2A-related disorder. Also called: USH2A-related condition; USH2A-related disorders. Identifiers: MedGen CN239332.
Usher syndrome type 2A. Also called: USHER SYNDROME, TYPE IIA; RETINAL DISEASE IN USHER SYNDROME TYPE IIA, MODIFIER OF. Identifiers: Orphanet 231178, Orphanet 886, MedGen C1848634, MONDO:0010169, OMIM 276901.

Allele frequency attached by ClinVar (database versions not stated): gnomAD exomes 0.00001; TOPMed 0.00002; gnomAD 0.00003 and 0.00004.
gnomAD v4.1: 52 of 1,613,612 alleles (0.0032%); highest among the groups gnomAD compares: Non-Finnish European, 0.0042%; no homozygotes.

Submissions (4):

Labcorp Genetics (formerly Invitae), Labcorp
Classification: Likely benign. Last evaluated: 2025-12-17. Review status: criteria provided, single submitter. Criteria: Invitae Variant Classification Sherloc (09022015). Collection method: clinical testing. Allele origin: germline.

PreventionGenetics, part of Exact Sciences
Classification: Likely benign for USH2A-related condition. Last evaluated: 2025-08-05. Review status: criteria provided, single submitter. Criteria: ACMG Guidelines, 2015. Collection method: clinical testing. Allele origin: germline.
Comment: This variant is classified as likely benign based on ACMG/AMP sequence variant interpretation guidelines (Richards et al. 2015 PMID: 25741868, with internal and published modifications).

Blueprint Genetics
Classification: Likely benign. Last evaluated: 2024-10-30. Review status: criteria provided, single submitter. Criteria: ACMG Guidelines, 2015. Collection method: clinical testing. Allele origin: germline.

Natera, Inc.
Classification: Uncertain significance for Usher syndrome type 2A. Last evaluated: 2020-03-11. Review status: no assertion criteria provided. Collection method: clinical testing. Allele origin: germline. Not counted in ClinVar's aggregate classification.

NM_206933.4(USH2A):c.6372A>T (p.Thr2124=)

Gene: USH2A (usherin; minus strand). Cytogenetic location: 1q41.
Variant type: single nucleotide variant.
Coding change: c.6372A>T on transcript NM_206933.4 (MANE Select); coding-DNA position 6372, A replaced by T.
Protein change: p.Thr2124=; no amino-acid change (threonine 2124 retained).
Molecular consequence: synonymous variant.
Genome position (GRCh38, 1-based): chr1:216,000,516, T>A on the plus strand (A>T on the coding strand, the complement: USH2A is on the minus strand). VCF-style: chr1-216000516-T-A. GRCh37 (hg19) VCF-style: chr1-216173858-T-A.
Identifiers: ClinVar variation 796182 (VCV000796182.13), dbSNP rs548332655, ClinGen allele CA37479812.